The following is an entry in ClinVar:

NM_015340.4(LARS2):c.455+222T>G

Gene: LARS2 (leucyl-tRNA synthetase 2, mitochondrial; plus strand). Cytogenetic location: 3p21.31.
Variant type: single nucleotide variant.
Coding change: c.455+222T>G on transcript NM_015340.4 (MANE Select); 222 bases into the intron after coding-DNA position 455, T replaced by G.
Molecular consequence: intron variant.
Genome position (GRCh38, 1-based): chr3:45,417,795, T>G. VCF-style: chr3-45417795-T-G. GRCh37 (hg19) VCF-style: chr3-45459287-T-G.
Other names: c.455+222T>G (NM_001368263.1).
Identifiers: ClinVar variation 684161 (VCV000684161.1), dbSNP rs2286907, ClinGen allele CA11442034.

ClinVar aggregate classification (germline): Benign (1 of 4 stars; one submission).

Allele frequency attached by ClinVar (database versions not stated): 1000 Genomes Project 30x 0.42864; 1000 Genomes Project 0.42891; TOPMed 0.48935.
gnomAD v4.1: 76,351 of 151,944 alleles (50%); highest among the groups gnomAD compares: Non-Finnish European, 58%; 19,809 homozygotes.

Submission:

GeneDx
Classification: Benign. Last evaluated: 2018-06-14. Review status: criteria provided, single submitter. Criteria: GeneDx Variant Classification (06012015). Collection method: clinical testing. Allele origin: germline. Affected: yes.
Comment: This variant is considered likely benign or benign based on one or more of the following criteria: it is a conservative change, it occurs at a poorly conserved position in the protein, it is predicted to be benign by multiple in silico algorithms, and/or has population frequency not consistent with disease.